The following is an entry in ClinVar:

ClinVar aggregate classification (germline): Likely benign (1 of 4 stars; one submission).

Allele frequency attached by ClinVar (database versions not stated): 1000 Genomes Project 0.00180; 1000 Genomes Project 30x 0.00187; ESP Exome Variant Server 0.00308; ExAC 0.00353.
gnomAD v4.1: 7,595 of 1,614,196 alleles (0.47%); highest among the groups gnomAD compares: Middle Eastern, 0.64%; 28 homozygotes.

Submission:

CeGaT Center for Human Genetics Tuebingen
Classification: Likely benign. Last evaluated: 2023-11-01. Review status: criteria provided, single submitter. Criteria: CeGaT Center For Human Genetics Tuebingen Variant Classification Criteria Version 2. Collection method: clinical testing. Allele origin: germline. Affected: yes. Observed: 1 variant allele.
Comment: ENSG00000278915: BS2; PCDHA12: BP4, BS2

NM_018903.4(PCDHA12):c.299C>T (p.Ala100Val)

Genes: PCDHA8 (protocadherin alpha 8; plus strand), PCDHA9 (protocadherin alpha 9; plus strand), PCDHA-AS1 (protocadherin alpha cluster antisense RNA 1; minus strand), PCDHA1 (protocadherin alpha 1; plus strand), PCDHA10 (protocadherin alpha 10; plus strand) and 9 more. Cytogenetic location: 5q31.3.
Variant type: single nucleotide variant.
Coding change: c.299C>T on transcript NM_018903.4 (MANE Select); coding-DNA position 299, C replaced by T.
Protein change: p.Ala100Val; replaces alanine 100 with valine.
Molecular consequence: missense variant. On other transcripts: non-coding transcript variant (1), intron variant (14).
Genome position (GRCh38, 1-based): chr5:140,875,771, C>T. VCF-style: chr5-140875771-C-T. GRCh37 (hg19) VCF-style: chr5-140255356-C-T.
Other names: c.299C>T, p.Ala100Val (NM_031864.3); c.2394+87087C>T (NM_018900.4); c.1602+87879C>T (NM_031411.3); c.2388+78419C>T (NM_018905.3); c.2394+72180C>T (NM_018906.3); c.2385+66199C>T (NM_018907.4); c.2352+51644C>T (NM_018908.3); c.2394+45286C>T (NM_018909.4); and 7 more; short protein forms A100V.
Identifiers: ClinVar variation 3024694 (VCV003024694.22), dbSNP rs182160950, ClinGen allele CA3452385.